The following is an entry in ClinVar:

ClinVar aggregate classification (germline): Uncertain significance. Review status: criteria provided, multiple submitters, no conflicts (2 of 4 stars). 6 submissions from 6 submitters: Uncertain significance (5). 1 of the submissions does not count toward it. Last evaluated 2026-02-18.

Conditions:
Arterial calcification, generalized, of infancy, 2. Identifiers: Orphanet 51608, MedGen C3276161, MONDO:0013768, OMIM 614473.
Autosomal recessive inherited pseudoxanthoma elasticum (PXE). Identifiers: Orphanet 758, MedGen CN032334, MONDO:0009925, OMIM 264800.
Pseudoxanthoma elasticum, forme fruste. Also called: PSEUDOXANTHOMA ELASTICUM, HETEROZYGOUS; Pseudoxanthoma Elasticum, Incomplete. Identifiers: Orphanet 758, MedGen C1867450, MONDO:0008333, OMIM 177850.
Retinal disorder. Also called: Retinopathies; Retinal Diseases; Retinal disorders; Retinopathy. Identifiers: MedGen C0035309, MONDO:0005283, HP:0000488.

Allele frequency attached by ClinVar (database versions not stated): TOPMed below 0.00001; gnomAD 0.00001; ExAC 0.00002; gnomAD exomes 0.00002 and 0.00004; 1000 Genomes Project 30x 0.00016; 1000 Genomes Project 0.00020.
gnomAD v4.1: 65 of 1,612,572 alleles (0.004%); highest among the groups gnomAD compares: Non-Finnish European, 0.005%; no homozygotes.

Submissions (6):

Genetics Laboratory, Great Ormond Street Hospital NHS Foundation Trust, North Thames Genomic Laboratory Hub
Classification: Uncertain significance for Retinal disorders. Last evaluated: 2026-02-18. Review status: criteria provided, single submitter. Criteria: ACGS Best Practice Guidelines for Variant Classification in Rare Disease 2024 v1.2. Collection method: clinical testing. Allele origin: germline. Affected: yes.
Comment: PM2_moderate, PP3_supporting, PS3_supporting

Blueprint Genetics
Classification: Uncertain significance. Last evaluated: 2024-11-18. Review status: criteria provided, single submitter. Criteria: ACMG Guidelines, 2015. Collection method: clinical testing. Allele origin: germline.

Labcorp Genetics (formerly Invitae), Labcorp
Classification: Uncertain significance. Last evaluated: 2024-05-11. Review status: criteria provided, single submitter. Criteria: Invitae Variant Classification Sherloc (09022015). Collection method: clinical testing. Allele origin: germline.
Comment: This sequence change replaces arginine, which is basic and polar, with cysteine, which is neutral and slightly polar, at codon 1459 of the ABCC6 protein (p.Arg1459Cys). The frequency data for this variant in the population databases is considered unreliable, as metrics indicate poor data quality at this position in the gnomAD database. This missense change has been observed in individual(s) with clinical features of pseudoxanthoma elasticum (PMID: 12673275). ClinVar contains an entry for this variant (Variation ID: 6577). Advanced modeling of protein sequence and biophysical properties (such as structural, functional, and spatial information, amino acid conservation, physicochemical variation, residue mobility, and thermodynamic stability) performed at Invitae indicates that this missense variant is expected to disrupt ABCC6 protein function with a positive predictive value of 95%. Experimental studies have shown that this missense change affects ABCC6 function (PMID: 24352041). In summary, the available evidence is currently insufficient to determine the role of this variant in disease. Therefore, it has been classified as a Variant of Uncertain Significance.

Fulgent Genetics
Classification: Uncertain significance for Pseudoxanthoma elasticum, forme fruste; Autosomal recessive inherited pseudoxanthoma elasticum; Arterial calcification, generalized, of infancy, 2. Last evaluated: 2022-03-26. Review status: criteria provided, single submitter. Criteria: ACMG Guidelines, 2015. Collection method: clinical testing. Allele origin: unknown.

Laboratory for Molecular Medicine, Mass General Brigham Personalized Medicine
Classification: Uncertain significance. Last evaluated: 2016-03-28. Review status: criteria provided, single submitter. Criteria: LMM Criteria. Collection method: clinical testing. Allele origin: germline.
Comment: Variant identified in a genome or exome case(s) and assessed due to predicted null impact of the variant or pathogenic assertions in the literature or databases. Disclaimer: This variant has not undergone full assessment. The following are preliminary notes: Hu 2003 reported the R1459C variant in a family with AD segregation of pseudoxanthoma elasticum. Pomozi-2014 carried out functional studies and showed that in mouse hepatocytes the variant was active (suggesting polymorphism). However, this variant could not rescue the zebrafish phenotype (suggesting deleterious variant).1/15798 South Asian alleles in ExAC.

OMIM
Classification: Pathogenic for PSEUDOXANTHOMA ELASTICUM. Last evaluated: 2004-05-01. Review status: no assertion criteria provided. Collection method: literature only. Allele origin: germline. Not counted in ClinVar's aggregate classification.

Literature cited by the submitters: PubMed 12673275 (cited by Labcorp Genetics (formerly Invitae), Labcorp); PubMed 24352041 (cited by Labcorp Genetics (formerly Invitae), Labcorp); PubMed 15098239 (cited by OMIM); PubMed 10835643 (cited by OMIM).

NM_001171.6(ABCC6):c.4375C>T (p.Arg1459Cys)

Genes: ABCC6 (ATP binding cassette subfamily C member 6; minus strand), LOC125146421 (Sharpr-MPRA regulatory region 15590; plus strand). Cytogenetic location: 16p13.11.
Variant type: single nucleotide variant.
Coding change: c.4375C>T on transcript NM_001171.6 (MANE Select); coding-DNA position 4375, C replaced by T.
Protein change: p.Arg1459Cys; replaces arginine 1459 with cysteine.
Molecular consequence: missense variant. On other transcripts: non-coding transcript variant (1).
Genome position (GRCh38, 1-based): chr16:16,150,606, G>A on the plus strand (C>T on the coding strand, the complement: ABCC6 is on the minus strand). VCF-style: chr16-16150606-G-A. GRCh37 (hg19) VCF-style: chr16-16244463-G-A.
Other names: c.4033C>T, p.Arg1345Cys (NM_001351800.1); short protein forms R1459C, R1345C.
Identifiers: ClinVar variation 6577 (VCV000006577.13), dbSNP rs72547524, ClinGen allele CA281579.